The following is an entry in ClinVar:

ClinVar aggregate classification (germline): Uncertain significance (1 of 4 stars; one submission).

Conditions:
Inborn genetic diseases. Identifiers: MedGen C0950123, MeSH D030342.

gnomAD v4.1: 12 of 1,614,220 alleles (0.00074%); highest among the groups gnomAD compares: South Asian, 0.0011%; no homozygotes.

Submission:

Ambry Genetics
Classification: Uncertain significance for Inborn genetic diseases. Last evaluated: 2025-02-02. Review status: criteria provided, single submitter. Criteria: Ambry Variant Classification Scheme 2023. Collection method: clinical testing. Allele origin: germline.
Comment: The p.N906S variant (also known as c.2717A>G), located in coding exon 12 of the BMPR2 gene, results from an A to G substitution at nucleotide position 2717. The asparagine at codon 906 is replaced by serine, an amino acid with highly similar properties. This amino acid position is conserved. In addition, the in silico prediction for this alteration is inconclusive. Based on the available evidence, the clinical significance of this variant remains unclear.

NM_001204.7(BMPR2):c.2717A>G (p.Asn906Ser)

Gene: BMPR2 (bone morphogenetic protein receptor type 2; plus strand). Cytogenetic location: 2q33.2.
Variant type: single nucleotide variant.
Coding change: c.2717A>G on transcript NM_001204.7 (MANE Select); coding-DNA position 2717, A replaced by G.
Protein change: p.Asn906Ser; replaces asparagine 906 with serine.
Molecular consequence: missense variant.
Genome position (GRCh38, 1-based): chr2:202,556,382, A>G. VCF-style: chr2-202556382-A-G. GRCh37 (hg19) VCF-style: chr2-203421105-A-G.
Other names: short protein forms N906S.
Identifiers: ClinVar variation 3824869 (VCV003824869.1).
Genomic context (GRCh38, chr2:202,556,382, plus strand): 5'-GTCTTGTGGACAGGAGGGAACGGCCACTAGAAGGTGGCCGAACTAATTCCAATAACAACA[A>G]CAGCAATCCATGTTCAGAACAAGATGTTCTTGCACAGGGTGTTCCAAGCACAGCAGCAGA-3'
Protein context (NP_001195.2, residues 896-916): EGGRTNSNNN[Asn906Ser]SNPCSEQDVL